The following is an entry in ClinVar:

ClinVar aggregate classification (germline): Uncertain significance. Review status: criteria provided, multiple submitters, no conflicts (2 of 4 stars). 2 submissions from 2 submitters: Uncertain significance (2). Last evaluated 2024-04-10.

Conditions:
Angelman syndrome-like. Identifiers: MedGen CN128785.
Developmental and epileptic encephalopathy, 2 (DEE2). Also called: INFANTILE SPASM SYNDROME, X-LINKED 2; CDKL5 deficiency disorder. Identifiers: Orphanet 1934, Orphanet 3451, Orphanet 505652, MedGen C4750718, MONDO:0010396, OMIM 300672.

Allele frequency attached by ClinVar (database versions not stated): gnomAD exomes below 0.00001; gnomAD 0.00002.
gnomAD v4.1: 3 of 1,205,500 alleles (0.00025%); highest among the groups gnomAD compares: African/African-American, 0.0053%; no homozygotes.

Submissions (2):

Labcorp Genetics (formerly Invitae), Labcorp
Classification: Uncertain significance for Developmental and epileptic encephalopathy, 2; Angelman syndrome-like. Last evaluated: 2024-04-10. Review status: criteria provided, single submitter. Criteria: Invitae Variant Classification Sherloc (09022015). Collection method: clinical testing. Allele origin: germline.
Comment: This sequence change replaces proline, which is neutral and non-polar, with alanine, which is neutral and non-polar, at codon 282 of the CDKL5 protein (p.Pro282Ala). This variant is not present in population databases (gnomAD no frequency). This variant has not been reported in the literature in individuals affected with CDKL5-related conditions. This missense change has been observed in at least one individual who was not affected with CDKL5-related conditions (Invitae). ClinVar contains an entry for this variant (Variation ID: 1348449). Advanced modeling of protein sequence and biophysical properties (such as structural, functional, and spatial information, amino acid conservation, physicochemical variation, residue mobility, and thermodynamic stability) performed at Invitae indicates that this missense variant is expected to disrupt CDKL5 protein function with a positive predictive value of 80%. In summary, the available evidence is currently insufficient to determine the role of this variant in disease. Therefore, it has been classified as a Variant of Uncertain Significance.

GeneDx
Classification: Uncertain significance. Last evaluated: 2022-03-24. Review status: criteria provided, single submitter. Criteria: GeneDx Variant Classification Process June 2021. Collection method: clinical testing. Allele origin: germline. Affected: yes.
Comment: Not observed at significant frequency in large population cohorts (gnomAD); In silico analysis supports that this missense variant has a deleterious effect on protein structure/function; Has not been previously published as pathogenic or benign to our knowledge

NM_001323289.2(CDKL5):c.844C>G (p.Pro282Ala)

Gene: CDKL5 (cyclin dependent kinase like 5; plus strand). Cytogenetic location: Xp22.13.
Variant type: single nucleotide variant.
Coding change: c.844C>G on transcript NM_001323289.2 (MANE Select); coding-DNA position 844, C replaced by G.
Protein change: p.Pro282Ala; replaces proline 282 with alanine.
Molecular consequence: missense variant.
Genome position (GRCh38, 1-based): chrX:18,598,480, C>G. VCF-style: chrX-18598480-C-G. GRCh37 (hg19) VCF-style: chrX-18616600-C-G.
Other names: c.844C>G, p.Pro282Ala (NM_001037343.2, NM_003159.3); short protein forms P282A.
Identifiers: ClinVar variation 1348449 (VCV001348449.7), dbSNP rs1926077779, ClinGen allele CA412355710.